The following is an entry in ClinVar:

ClinVar aggregate classification (germline): Uncertain significance. Review status: criteria provided, multiple submitters, no conflicts (2 of 4 stars). 5 submissions from 5 submitters: Uncertain significance (5). Last evaluated 2026-08-18.

Conditions:
Cardiovascular phenotype. Identifiers: MedGen CN230736.
Hypertrophic cardiomyopathy 14. Identifiers: MedGen C2750467, MONDO:0013197, OMIM 613251.
Sick sinus syndrome 3, susceptibility to (SSS3). Identifiers: Orphanet 166282, MedGen C3279791, MONDO:0013568, OMIM 614090.
Hypertrophic cardiomyopathy 1 (CMH1). Also called: MYH7-Related Familial Hypertrophic Cardiomyopathy; Familial hypertrophic cardiomyopathy 1. Identifiers: MedGen C3495498, MONDO:0008647, OMIM 192600.
Dilated cardiomyopathy 1EE (CMD1EE). Identifiers: Orphanet 154, MedGen C2750466, MONDO:0013198, OMIM 613252.
Atrial septal defect 3 (ASD3). Identifiers: Orphanet 1478, MedGen C3279790, MONDO:0013567, OMIM 614089.

Allele frequency attached by ClinVar (database versions not stated): ExAC 0.00001; gnomAD exomes 0.00002 and 0.00001; TOPMed 0.00002; gnomAD 0.00001.
gnomAD v4.1: 29 of 1,614,184 alleles (0.0018%); highest among the groups gnomAD compares: Admixed American, 0.0033%; no homozygotes.

Submissions (5):

Ambry Genetics
Classification: Uncertain significance for Cardiovascular phenotype. Last evaluated: 2026-08-18. Review status: criteria provided, single submitter. Criteria: Ambry Variant Classification Scheme 2023. Collection method: clinical testing. Allele origin: germline.

Blueprint Genetics
Classification: Uncertain significance. Last evaluated: 2024-08-26. Review status: criteria provided, single submitter. Criteria: ACMG Guidelines, 2015. Collection method: clinical testing. Allele origin: germline.

Labcorp Genetics (formerly Invitae), Labcorp
Classification: Uncertain significance for Hypertrophic cardiomyopathy 14. Last evaluated: 2024-04-22. Review status: criteria provided, single submitter. Criteria: Invitae Variant Classification Sherloc (09022015). Collection method: clinical testing. Allele origin: germline.
Comment: This sequence change replaces arginine, which is basic and polar, with histidine, which is basic and polar, at codon 1608 of the MYH6 protein (p.Arg1608His). This variant is present in population databases (rs747494958, gnomAD 0.006%). This variant has not been reported in the literature in individuals affected with MYH6-related conditions. ClinVar contains an entry for this variant (Variation ID: 373551). Advanced modeling of protein sequence and biophysical properties (such as structural, functional, and spatial information, amino acid conservation, physicochemical variation, residue mobility, and thermodynamic stability) performed at Invitae indicates that this missense variant is expected to disrupt MYH6 protein function with a positive predictive value of 80%. In summary, the available evidence is currently insufficient to determine the role of this variant in disease. Therefore, it has been classified as a Variant of Uncertain Significance.

Fulgent Genetics
Classification: Uncertain significance for Hypertrophic cardiomyopathy 1; Hypertrophic cardiomyopathy 14; Dilated cardiomyopathy 1EE; Atrial septal defect 3; Sick sinus syndrome 3, susceptibility to. Last evaluated: 2021-09-16. Review status: criteria provided, single submitter. Criteria: ACMG Guidelines, 2015. Collection method: clinical testing. Allele origin: unknown.

GeneDx
Classification: Uncertain significance. Last evaluated: 2016-12-14. Review status: criteria provided, single submitter. Criteria: GeneDx Variant Classification (06012015). Collection method: clinical testing. Allele origin: germline. Affected: yes.
Comment: The R1608H variant in the MYH6 gene has not been reported previously as a pathogenic variant, nor as a benign variant, to our knowledge. The R1608H variant was not observed in approximately 6500 individuals of European and African American ancestry in the NHLBI Exome Sequencing Project, indicating it is not a common benign variant in these populations. The R1608H variant is a conservative amino acid substitution, which is not likely to impact secondary protein structure as these residues share similar properties. This substitution occurs in the coiled coil region, at a position that is conserved across species. In silico analysis predicts this variant is probably damaging to the protein structure/function. Therefore, we interpret R1608H as a variant of uncertain significance

NM_002471.4(MYH6):c.4823G>A (p.Arg1608His)

Genes: MYH6 (myosin heavy chain 6; minus strand), LOC126861896 (BRD4-independent group 4 enhancer GRCh37_chr14:23854904-23856103; plus strand). Cytogenetic location: 14q11.2.
Variant type: single nucleotide variant.
Coding change: c.4823G>A on transcript NM_002471.4 (MANE Select); coding-DNA position 4823, G replaced by A.
Protein change: p.Arg1608His; replaces arginine 1608 with histidine.
Molecular consequence: missense variant.
Genome position (GRCh38, 1-based): chr14:23,386,451, C>T on the plus strand (G>A on the coding strand, the complement: MYH6 is on the minus strand). VCF-style: chr14-23386451-C-T. GRCh37 (hg19) VCF-style: chr14-23855660-C-T.
Other names: short protein forms R1608H.
Identifiers: ClinVar variation 373551 (VCV000373551.10), dbSNP rs747494958, ClinGen allele CA7114632.